The following is an entry in ClinVar:

NM_000051.4(ATM):c.5607T>G (p.Phe1869Leu)

Gene: ATM (ATM serine/threonine kinase; plus strand). Cytogenetic location: 11q22.3.
Variant type: single nucleotide variant.
Coding change: c.5607T>G on transcript NM_000051.4 (MANE Select); coding-DNA position 5607, T replaced by G.
Protein change: p.Phe1869Leu; replaces phenylalanine 1869 with leucine.
Molecular consequence: missense variant.
Genome position (GRCh38, 1-based): chr11:108,304,785, T>G. VCF-style: chr11-108304785-T-G. GRCh37 (hg19) VCF-style: chr11-108175512-T-G.
Other names: c.5607T>G, p.Phe1869Leu (NM_001351834.2); short protein forms F1869L.
Identifiers: ClinVar variation 1748604 (VCV001748604.5), dbSNP rs2546987885, ClinGen allele CA382546265.

ClinVar aggregate classification (germline): Uncertain significance. Review status: criteria provided, multiple submitters, no conflicts (2 of 4 stars). 2 submissions from 2 submitters: Uncertain significance (2). Last evaluated 2025-01-14.

Conditions:
Ataxia-telangiectasia syndrome (AT). Also called: LOUIS-BAR SYNDROME; Cerebello-oculocutaneous telangiectasia; Immunodeficiency with ataxia telangiectasia; Ataxia-telangiectasia, complementation group D; AT, COMPLEMENTATION GROUP C; ATAXIA-TELANGIECTASIA, COMPLEMENTATION GROUP A. Identifiers: Orphanet 100, MedGen C0004135, MONDO:0008840, OMIM 208900.
Hereditary cancer-predisposing syndrome. Also called: Neoplastic Syndromes, Hereditary; Tumor predisposition; Hereditary Cancer Syndrome; Hereditary neoplastic syndrome. Identifiers: Orphanet 140162, MedGen C0027672, MeSH D009386, MONDO:0015356.

Submissions (2):

Ambry Genetics
Classification: Uncertain significance for Hereditary cancer-predisposing syndrome. Last evaluated: 2025-01-14. Review status: criteria provided, single submitter. Criteria: Ambry Variant Classification Scheme 2023. Collection method: clinical testing. Allele origin: germline.
Comment: The p.F1869L variant (also known as c.5607T>G), located in coding exon 36 of the ATM gene, results from a T to G substitution at nucleotide position 5607. The phenylalanine at codon 1869 is replaced by leucine, an amino acid with highly similar properties. This amino acid position is highly conserved in available vertebrate species. In addition, the in silico prediction for this alteration is inconclusive. Based on the available evidence, the clinical significance of this variant remains unclear.

Labcorp Genetics (formerly Invitae), Labcorp
Classification: Uncertain significance for Ataxia-telangiectasia syndrome. Last evaluated: 2022-04-25. Review status: criteria provided, single submitter. Criteria: Invitae Variant Classification Sherloc (09022015). Collection method: clinical testing. Allele origin: germline.
Comment: This sequence change replaces phenylalanine, which is neutral and non-polar, with leucine, which is neutral and non-polar, at codon 1869 of the ATM protein (p.Phe1869Leu). This variant is not present in population databases (gnomAD no frequency). This variant has not been reported in the literature in individuals affected with ATM-related conditions. Advanced modeling of protein sequence and biophysical properties (such as structural, functional, and spatial information, amino acid conservation, physicochemical variation, residue mobility, and thermodynamic stability) performed at Invitae indicates that this missense variant is not expected to disrupt ATM protein function. In summary, the available evidence is currently insufficient to determine the role of this variant in disease. Therefore, it has been classified as a Variant of Uncertain Significance.